The following is an entry in ClinVar:

NM_000264.5(PTCH1):c.3643C>A (p.His1215Asn)

Gene: PTCH1 (patched 1; minus strand). Cytogenetic location: 9q22.32.
Variant type: single nucleotide variant.
Coding change: c.3643C>A on transcript NM_000264.5 (MANE Select); coding-DNA position 3643, C replaced by A.
Protein change: p.His1215Asn; replaces histidine 1215 with asparagine.
Molecular consequence: missense variant. On other transcripts: non-coding transcript variant (1).
Genome position (GRCh38, 1-based): chr9:95,449,230, G>T on the plus strand (C>A on the coding strand, the complement: PTCH1 is on the minus strand). VCF-style: chr9-95449230-G-T. GRCh37 (hg19) VCF-style: chr9-98211512-G-T.
Other names: c.3445C>A, p.His1149Asn (NM_001083602.3); c.3640C>A, p.His1214Asn (NM_001083603.3); c.3190C>A, p.His1064Asn (NM_001083604.3, NM_001083605.3, NM_001083606.3 and 1 more transcripts); c.3487C>A, p.His1163Asn (NM_001354918.2); short protein forms H1149N, H1215N, H1064N, H1163N, H1214N.
Identifiers: ClinVar variation 524523 (VCV000524523.10), dbSNP rs1554689404, ClinGen allele CA374111239.

ClinVar aggregate classification (germline): Conflicting classifications of pathogenicity. Review status: criteria provided, conflicting classifications (1 of 4 stars). 2 submissions from 2 submitters: Uncertain significance (1); Likely benign (1). Last evaluated 2025-07-16.

Conditions:
Hereditary cancer-predisposing syndrome. Also called: Neoplastic Syndromes, Hereditary; Tumor predisposition; Hereditary Cancer Syndrome; Hereditary neoplastic syndrome. Identifiers: Orphanet 140162, MedGen C0027672, MeSH D009386, MONDO:0015356.
Gorlin syndrome. Also called: Nevoid Basal Cell Carcinoma Syndrome; Basal cell nevus syndrome. Identifiers: Orphanet 377, MedGen C0004779, MONDO:0007187.

Submissions (2):

Labcorp Genetics (formerly Invitae), Labcorp
Classification: Uncertain significance for Gorlin syndrome. Last evaluated: 2025-07-16. Review status: criteria provided, single submitter. Criteria: Invitae Variant Classification Sherloc (09022015). Collection method: clinical testing. Allele origin: germline.
Comment: This sequence change replaces histidine, which is basic and polar, with asparagine, which is neutral and polar, at codon 1215 of the PTCH1 protein (p.His1215Asn). This variant is not present in population databases (gnomAD no frequency). This variant has not been reported in the literature in individuals affected with PTCH1-related conditions. ClinVar contains an entry for this variant (Variation ID: 524523). Invitae Evidence Modeling of protein sequence and biophysical properties (such as structural, functional, and spatial information, amino acid conservation, physicochemical variation, residue mobility, and thermodynamic stability) indicates that this missense variant is not expected to disrupt PTCH1 protein function with a negative predictive value of 95%. In summary, the available evidence is currently insufficient to determine the role of this variant in disease. Therefore, it has been classified as a Variant of Uncertain Significance.

Ambry Genetics
Classification: Likely benign for Hereditary cancer-predisposing syndrome. Last evaluated: 2023-10-08. Review status: criteria provided, single submitter. Criteria: Ambry Variant Classification Scheme 2023. Collection method: clinical testing. Allele origin: germline.